The following is an entry in ClinVar:

NM_001134665.3(TRMT10A):c.824G>A (p.Arg275Gln)

Gene: TRMT10A (tRNA methyltransferase 10A; minus strand). Cytogenetic location: 4q23.
Variant type: single nucleotide variant.
Coding change: c.824G>A on transcript NM_001134665.3 (MANE Select); coding-DNA position 824, G replaced by A.
Protein change: p.Arg275Gln; replaces arginine 275 with glutamine.
Molecular consequence: missense variant.
Genome position (GRCh38, 1-based): chr4:99,549,284, C>T on the plus strand (G>A on the coding strand, the complement: TRMT10A is on the minus strand). VCF-style: chr4-99549284-C-T. GRCh37 (hg19) VCF-style: chr4-100470441-C-T.
Other names: c.824G>A, p.Arg275Gln (NM_001134666.3, NM_001375880.1, NM_001375881.1 and 1 more transcripts); c.803G>A, p.Arg268Gln (NM_001375882.1); short protein forms R268Q, R275Q.
Identifiers: ClinVar variation 2968711 (VCV002968711.3), dbSNP rs750636145, ClinGen allele CA3021414.

ClinVar aggregate classification (germline): Uncertain significance (1 of 4 stars; one submission).

Allele frequency attached by ClinVar (database versions not stated): gnomAD 0.00002; TOPMed 0.00002; ExAC 0.00003; gnomAD exomes 0.00003.
gnomAD v4.1: 52 of 1,614,000 alleles (0.0032%); highest among the groups gnomAD compares: South Asian, 0.024%; no homozygotes.

Submission:

Labcorp Genetics (formerly Invitae), Labcorp
Classification: Uncertain significance. Last evaluated: 2023-08-10. Review status: criteria provided, single submitter. Criteria: Invitae Variant Classification Sherloc (09022015). Collection method: clinical testing. Allele origin: germline.
Comment: This sequence change replaces arginine, which is basic and polar, with glutamine, which is neutral and polar, at codon 275 of the TRMT10A protein (p.Arg275Gln). This variant is present in population databases (rs750636145, gnomAD 0.03%). This variant has not been reported in the literature in individuals affected with TRMT10A-related conditions. Advanced modeling of protein sequence and biophysical properties (such as structural, functional, and spatial information, amino acid conservation, physicochemical variation, residue mobility, and thermodynamic stability) performed at Invitae indicates that this missense variant is expected to disrupt TRMT10A protein function. Algorithms developed to predict the effect of sequence changes on RNA splicing suggest that this variant may create or strengthen a splice site. In summary, the available evidence is currently insufficient to determine the role of this variant in disease. Therefore, it has been classified as a Variant of Uncertain Significance.